The following is an entry in ClinVar:

NM_000492.4(CFTR):c.1435G>C (p.Glu479Gln)

Genes: CFTR (CF transmembrane conductance regulator; plus strand), CFTR-AS1 (CFTR antisense RNA 1; minus strand). Cytogenetic location: 7q31.2.
Variant type: single nucleotide variant.
Coding change: c.1435G>C on transcript NM_000492.4 (MANE Select); coding-DNA position 1435, G replaced by C.
Protein change: p.Glu479Gln; replaces glutamic acid 479 with glutamine.
Molecular consequence: missense variant.
Genome position (GRCh38, 1-based): chr7:117,559,506, G>C. VCF-style: chr7-117559506-G-C. GRCh37 (hg19) VCF-style: chr7-117199560-G-C.
Other names: short protein forms E479Q.
Identifiers: ClinVar variation 3336657 (VCV003336657.2).
Genomic context (GRCh38, chr7:117,559,506, plus strand): 5'-GATGGGTTTTATTTCCAGACTTCACTTCTAATGGTGATTATGGGAGAACTGGAGCCTTCA[G>C]AGGGTAAAATTAAGCACAGTGGAAGAATTTCATTCTGTTCTCAGTTTTCCTGGATTATGC-3'
Protein context (NP_000483.3, residues 469-489): MVIMGELEPS[Glu479Gln]GKIKHSGRIS

ClinVar aggregate classification (germline): Uncertain significance. Review status: criteria provided, single submitter (1 of 4 stars). 2 submissions from 2 submitters: Uncertain significance (1). 1 of the submissions does not count toward it. Last evaluated 2026-06-30.

Conditions:
Cystic fibrosis (CF). Also called: MUCOVISCIDOSIS. Identifiers: Orphanet 586, MedGen C0010674, MONDO:0009061, OMIM 219700. Disease mechanism: loss of function.

Submissions (2):

Women's Health and Genetics/Laboratory Corporation of America, LabCorp
Classification: Uncertain significance. Last evaluated: 2026-06-30. Review status: criteria provided, single submitter. Criteria: LabCorp Variant Classification Summary - May 2015. Collection method: clinical testing. Allele origin: germline.
Comment: Variant summary: CFTR c.1435G>C (p.Glu479Gln) results in a conservative amino acid change in the encoded protein sequence. Algorithms developed to predict the effect of missense changes on protein structure and function are either unavailable or do not agree on the potential impact of this missense change. The variant was absent in 251312 control chromosomes. The available data on variant occurrences in the general population are insufficient to allow any conclusion about variant significance. To our knowledge, no occurrence of c.1435G>C in individuals affected with CFTR-related conditions and no experimental evidence demonstrating its impact on protein function have been reported. ClinVar contains an entry for this variant (Variation ID: 3336657). Based on the evidence outlined above, the variant was classified as uncertain significance.

Dr Mariam's Lab, University of the Punjab
Classification: Likely pathogenic for Cystic fibrosis. Review status: no assertion criteria provided. Collection method: case-control. Allele origin: germline. Affected: yes. Not counted in ClinVar's aggregate classification.